The following is an entry in ClinVar:

ClinVar aggregate classification (germline): Conflicting classifications of pathogenicity. Review status: criteria provided, conflicting classifications (1 of 4 stars). 2 submissions from 2 submitters: Likely pathogenic (1); Uncertain significance (1). Last evaluated 2021-11-03.

Conditions:
Muscular dystrophy-dystroglycanopathy (congenital with brain and eye anomalies), type A9. Also called: WALKER-WARBURG SYNDROME OR MUSCLE-EYE BRAIN DISEASE, DAG1-RELATED; Muscular dystrophy-dystroglycanopathy (congenital with brain and eye anomalies), type a, 9. Identifiers: Orphanet 370997, Orphanet 899, MedGen C4225291, MONDO:0014683, OMIM 616538.
Autosomal recessive limb-girdle muscular dystrophy type 2P. Also called: MUSCULAR DYSTROPHY-DYSTROGLYCANOPATHY, LIMB-GIRDLE, DAG1-RELATED; Limb-Girdle Muscular Dystrophy Type 9C; MUSCULAR DYSTROPHY, LIMB-GIRDLE, TYPE 2P. Identifiers: Orphanet 280333, MedGen C4511963, MONDO:0013440, OMIM 613818.

Submissions (2):

Institute for Clinical Genetics, University Hospital TU Dresden, University Hospital TU Dresden
Classification: Likely pathogenic. Last evaluated: 2021-11-03. Review status: criteria provided, single submitter. Criteria: ACMG Guidelines, 2015. Collection method: clinical testing. Allele origin: germline.

Labcorp Genetics (formerly Invitae), Labcorp
Classification: Uncertain significance for Autosomal recessive limb-girdle muscular dystrophy type 2P; Muscular dystrophy-dystroglycanopathy (congenital with brain and eye anomalies), type A9. Last evaluated: 2020-10-23. Review status: criteria provided, single submitter. Criteria: Invitae Variant Classification Sherloc (09022015). Collection method: clinical testing. Allele origin: germline.
Comment: This sequence change results in a premature translational stop signal in the DAG1 gene (p.Arg739Glyfs*3). While this is not anticipated to result in nonsense mediated decay, it is expected to disrupt the last 157 amino acid(s) of the DAG1 protein. This variant is not present in population databases (ExAC no frequency). This variant has not been reported in the literature in individuals with DAG1-related conditions. Experimental studies and prediction algorithms are not available or were not evaluated, and the functional significance of this variant is currently unknown. In summary, the available evidence is currently insufficient to determine the role of this variant in disease. Therefore, it has been classified as a Variant of Uncertain Significance.

NM_004393.6(DAG1):c.2215_2216del (p.Arg739fs)

Gene: DAG1 (dystroglycan 1; plus strand). Cytogenetic location: 3p21.31.
Variant type: Deletion.
Coding change: c.2215_2216del on transcript NM_004393.6 (MANE Select); coding-DNA positions 2215 to 2216, 2 bases deleted (AG; older notation c.2215_2216delAG).
Protein change: p.Arg739fs; shifts the reading frame from arginine 739.
Molecular consequence: frameshift variant.
Genome position (GRCh38, 1-based): chr3:49,532,726-49,532,727, AG deleted. VCF-style (leftmost placement, unchanged base first): chr3-49532725-CAG-C. GRCh37 (hg19) VCF-style: chr3-49570158-CAG-C.
Other names: c.2215_2216del, p.Arg739fs (NM_001165928.4, NM_001177634.3, NM_001177635.3 and 9 more transcripts); short protein forms R739fs.
Identifiers: ClinVar variation 1054355 (VCV001054355.4), dbSNP rs2107952051, ClinGen allele CA2499216914.